The following is an entry in ClinVar:

ClinVar aggregate classification (germline): Uncertain significance (1 of 4 stars; one submission).

Conditions:
Familial adenomatous polyposis 1 (FAP1). Also called: FAMILIAL ADENOMATOUS POLYPOSIS 1, ATTENUATED; POLYPOSIS, ADENOMATOUS INTESTINAL. Identifiers: MedGen C2713442, MONDO:0021056, OMIM 175100. Disease mechanism: loss of function.

Submission:

Labcorp Genetics (formerly Invitae), Labcorp
Classification: Uncertain significance for Familial adenomatous polyposis 1. Last evaluated: 2024-09-01. Review status: criteria provided, single submitter. Criteria: Invitae Variant Classification Sherloc (09022015). Collection method: clinical testing. Allele origin: germline.
Comment: This sequence change replaces proline, which is neutral and non-polar, with alanine, which is neutral and non-polar, at codon 1843 of the APC protein (p.Pro1843Ala). This variant is not present in population databases (gnomAD no frequency). This variant has not been reported in the literature in individuals affected with APC-related conditions. ClinVar contains an entry for this variant (Variation ID: 1370836). Invitae Evidence Modeling of protein sequence and biophysical properties (such as structural, functional, and spatial information, amino acid conservation, physicochemical variation, residue mobility, and thermodynamic stability) indicates that this missense variant is not expected to disrupt APC protein function with a negative predictive value of 95%. In summary, the available evidence is currently insufficient to determine the role of this variant in disease. Therefore, it has been classified as a Variant of Uncertain Significance.

NM_000038.6(APC):c.5527C>G (p.Pro1843Ala)

Gene: APC (APC regulator of Wnt signaling pathway; plus strand). Cytogenetic location: 5q22.2.
Variant type: single nucleotide variant.
Coding change: c.5527C>G on transcript NM_000038.6 (MANE Select); coding-DNA position 5527, C replaced by G.
Protein change: p.Pro1843Ala; replaces proline 1843 with alanine.
Molecular consequence: missense variant.
Genome position (GRCh38, 1-based): chr5:112,841,121, C>G. VCF-style: chr5-112841121-C-G. GRCh37 (hg19) VCF-style: chr5-112176818-C-G.
Other names: c.5527C>G, p.Pro1843Ala (NM_001127510.3, NM_001354895.2); c.5473C>G, p.Pro1825Ala (NM_001127511.3); c.5581C>G, p.Pro1861Ala (NM_001354896.2); c.5557C>G, p.Pro1853Ala (NM_001354897.2); c.5452C>G, p.Pro1818Ala (NM_001354898.2); c.5443C>G, p.Pro1815Ala (NM_001354899.2); c.5404C>G, p.Pro1802Ala (NM_001354900.2); c.5350C>G, p.Pro1784Ala (NM_001354901.2); and 5 more; short protein forms P1683A, P1742A, P1802A, P1825A, P1853A, P1752A, P1784A, P1818A.
Identifiers: ClinVar variation 1370836 (VCV001370836.6), dbSNP rs1461006300, ClinGen allele CA16033424.